The following is an entry in ClinVar:

NM_000092.5(COL4A4):c.1240G>C (p.Gly414Arg)

Gene: COL4A4 (collagen type IV alpha 4 chain; minus strand). Cytogenetic location: 2q36.3.
Variant type: single nucleotide variant.
Coding change: c.1240G>C on transcript NM_000092.5 (MANE Select); coding-DNA position 1240, G replaced by C.
Protein change: p.Gly414Arg; replaces glycine 414 with arginine.
Molecular consequence: missense variant.
Genome position (GRCh38, 1-based): chr2:227,094,254, C>G on the plus strand (G>C on the coding strand, the complement: COL4A4 is on the minus strand). VCF-style: chr2-227094254-C-G. GRCh37 (hg19) VCF-style: chr2-227958970-C-G.
Other names: short protein forms G414R.
Identifiers: ClinVar variation 3236151 (VCV003236151.2), dbSNP rs373150214, ClinGen allele CA66554561.

ClinVar aggregate classification (germline): Likely pathogenic. Review status: criteria provided, multiple submitters, no conflicts (2 of 4 stars). 2 submissions from 2 submitters: Likely pathogenic (2). Last evaluated 2024-05-11.

Conditions:
Autosomal recessive Alport syndrome (ATS2). Also called: COL4A4 Alport Syndrome and Thin Basement Membrane Nephropathy; ALPORT SYNDROME 2, AUTOSOMAL RECESSIVE; Alport syndrome type 2; COL4A3-Related Nephropathy. Identifiers: Orphanet 63, Orphanet 88919, MedGen C4746745, MONDO:0008762, OMIM 203780.
Hematuria, benign familial, 1 (BFH1). Also called: THIN MEMBRANE NEPHROPATHY. Identifiers: MedGen CN376803, MONDO:0007709, OMIM 141200.

Allele frequency attached by ClinVar (database versions not stated): TOPMed 0.00001; ESP Exome Variant Server 0.00008.

Submissions (2):

Fulgent Genetics
Classification: Likely pathogenic for Hematuria, benign familial, 1; Autosomal recessive Alport syndrome. Last evaluated: 2024-05-11. Review status: criteria provided, single submitter. Criteria: ACMG Guidelines, 2015. Collection method: clinical testing. Allele origin: germline.

MVZ Medizinische Genetik Mainz
Classification: Likely pathogenic for Autosomal recessive Alport syndrome. Last evaluated: 2023-06-15. Review status: criteria provided, single submitter. Criteria: UK Practice Guidelines For Variant Classification V4 01 2020. Collection method: clinical testing. Allele origin: germline. Inheritance: Autosomal dominant inheritance. Affected: yes. Observed: 1 variant allele.
Comment: ACMG Criteria: PM1_STR,PP3_MOD,PM2_SUP,PP4